The following is an entry in ClinVar:

ClinVar aggregate classification (germline): Uncertain significance (1 of 4 stars; one submission).

Conditions:
Hereditary cancer-predisposing syndrome. Also called: Neoplastic Syndromes, Hereditary; Tumor predisposition; Hereditary Cancer Syndrome; Hereditary neoplastic syndrome. Identifiers: Orphanet 140162, MedGen C0027672, MeSH D009386, MONDO:0015356.

Submission:

Ambry Genetics
Classification: Uncertain significance for Hereditary cancer-predisposing syndrome. Last evaluated: 2025-12-21. Review status: criteria provided, single submitter. Criteria: Ambry Variant Classification Scheme 2023. Collection method: clinical testing. Allele origin: germline.
Comment: The p.C1687F variant (also known as c.5060G>T), located in coding exon 38 of the TSC2 gene, results from a G to T substitution at nucleotide position 5060. The cysteine at codon 1687 is replaced by phenylalanine, an amino acid with highly dissimilar properties. This amino acid position is conserved. In addition, this alteration is predicted to be deleterious by in silico analysis. Based on the available evidence, the clinical significance of this variant remains unclear.

NM_000548.5(TSC2):c.5060G>T (p.Cys1687Phe)

Gene: TSC2 (TSC complex subunit 2; plus strand). Cytogenetic location: 16p13.3.
Variant type: single nucleotide variant.
Coding change: c.5060G>T on transcript NM_000548.5 (MANE Select); coding-DNA position 5060, G replaced by T.
Protein change: p.Cys1687Phe; replaces cysteine 1687 with phenylalanine.
Molecular consequence: missense variant. On other transcripts: non-coding transcript variant (5).
Genome position (GRCh38, 1-based): chr16:2,087,933, G>T. VCF-style: chr16-2087933-G-T. GRCh37 (hg19) VCF-style: chr16-2137934-G-T.
Other names: c.5057G>T, p.Cys1686Phe (NM_001406663.1); c.4988G>T, p.Cys1663Phe (NM_001406664.1); c.4982G>T, p.Cys1661Phe (NM_001406665.1); c.4952G>T, p.Cys1651Phe (NM_001406667.1); c.4949G>T, p.Cys1650Phe (NM_001406668.1); c.4880G>T, p.Cys1627Phe (NM_001406670.1); c.4850G>T, p.Cys1617Phe (NM_001406671.1); c.4847G>T, p.Cys1616Phe (NM_001406673.1); and 26 more; short protein forms C1195F, C1421F, C1463F, C1464F, C1583F, C1614F, C1621F, C1631F.
Identifiers: ClinVar variation 4842406 (VCV004842406.1).
Genomic context (GRCh38, chr16:2,087,933, plus strand): 5'-ACTTTGTCCACGTGATCGTCACCCCGCTGGACTACGAGTGCAACCTGGTGTCCCTGCAGT[G>T]CAGGAAAGGTAGGGCCGGGTGGGGCCCTGCAGTGCAGGAAAGGTAGGGCCGGGTGGGGCC-3'
Protein context (NP_000539.2, residues 1677-1697): DYECNLVSLQ[Cys1687Phe]RKDMEGLVDT